The following is an entry in ClinVar:

ClinVar aggregate classification (germline): Pathogenic (1 of 4 stars; one submission).

Submission:

Labcorp Genetics (formerly Invitae), Labcorp
Classification: Pathogenic. Last evaluated: 2025-05-05. Review status: criteria provided, single submitter. Criteria: Invitae Variant Classification Sherloc (09022015). Collection method: clinical testing. Allele origin: germline.
Comment: This sequence change creates a premature translational stop signal (p.Arg697*) in the TNFAIP3 gene. While this is not anticipated to result in nonsense mediated decay, it is expected to disrupt the last 94 amino acid(s) of the TNFAIP3 protein. This variant is not present in population databases (gnomAD no frequency). This premature translational stop signal has been observed in individual(s) with clinical features of TNFAIP3-related conditions (internal data). It has also been observed to segregate with disease in related individuals. ClinVar contains an entry for this variant (Variation ID: 2090064). For these reasons, this variant has been classified as Pathogenic.

NM_001270508.2(TNFAIP3):c.2089A>T (p.Arg697Ter)

Gene: TNFAIP3 (TNF alpha induced protein 3; plus strand). Cytogenetic location: 6q23.3.
Variant type: single nucleotide variant.
Coding change: c.2089A>T on transcript NM_001270508.2 (MANE Select); coding-DNA position 2089, A replaced by T.
Protein change: p.Arg697Ter; replaces arginine 697 with a stop codon.
Molecular consequence: nonsense.
Genome position (GRCh38, 1-based): chr6:137,881,035, A>T. VCF-style: chr6-137881035-A-T. GRCh37 (hg19) VCF-style: chr6-138202172-A-T.
Other names: c.2089A>T, p.Arg697Ter (NM_001270507.2, NM_006290.4); short protein forms R697*.
Identifiers: ClinVar variation 2090064 (VCV002090064.4), dbSNP rs2482772444, ClinGen allele CA365796357.